The following is an entry in ClinVar:

NM_024120.4(NDUFAF5):c.-208C>T

Genes: ESF1 (ESF1 nucleolar pre-rRNA processing protein; minus strand), NDUFAF5 (NADH:ubiquinone oxidoreductase complex assembly factor 5; plus strand). Cytogenetic location: 20p12.1.
Variant type: single nucleotide variant.
Coding change: c.-208C>T on transcript NM_024120.4; 208 bases upstream of the start codon, C replaced by T.
Molecular consequence: intron variant (on NM_001276380.2). On other transcripts: 5 prime UTR variant (1).
Genome position (GRCh38, 1-based): chr20:13,784,861, C>T. VCF-style: chr20-13784861-C-T. GRCh37 (hg19) VCF-style: chr20-13765507-C-T.
Other names: c.-83G>A (NM_016649.4); c.-44+19G>A (NM_001276380.2).
Identifiers: ClinVar variation 669696 (VCV000669696.4), dbSNP rs6042360, ClinGen allele CA14750650.

ClinVar aggregate classification (germline): Benign. Review status: criteria provided, multiple submitters, no conflicts (2 of 4 stars). 2 submissions from 2 submitters: Benign (2). Last evaluated 2018-06-14.

Allele frequency attached by ClinVar (database versions not stated): TOPMed 0.17304; 1000 Genomes Project 30x 0.25984; 1000 Genomes Project 0.26238; gnomAD 0.17261.
gnomAD v4.1: 90,102 of 597,462 alleles (15%); highest among the groups gnomAD compares: East Asian, 39%; 9,279 homozygotes.

Submissions (2):

GeneDx
Classification: Benign. Last evaluated: 2018-06-14. Review status: criteria provided, single submitter. Criteria: GeneDx Variant Classification (06012015). Collection method: clinical testing. Allele origin: germline. Affected: yes.
Comment: This variant is considered likely benign or benign based on one or more of the following criteria: it is a conservative change, it occurs at a poorly conserved position in the protein, it is predicted to be benign by multiple in silico algorithms, and/or has population frequency not consistent with disease.

Breakthrough Genomics
Classification: Benign. Review status: criteria provided, single submitter. Criteria: ACMG Guidelines, 2015. Collection method: not provided. Allele origin: germline. Inheritance: Unknown mechanism. Affected: yes.